The following is an entry in ClinVar:

NM_000219.6(KCNE1):c.101C>G (p.Ser34Cys)

Gene: KCNE1 (potassium voltage-gated channel subfamily E regulatory subunit 1; minus strand). Cytogenetic location: 21q22.12.
Variant type: single nucleotide variant.
Coding change: c.101C>G on transcript NM_000219.6 (MANE Select); coding-DNA position 101, C replaced by G.
Protein change: p.Ser34Cys; replaces serine 34 with cysteine.
Molecular consequence: missense variant.
Genome position (GRCh38, 1-based): chr21:34,449,534, G>C on the plus strand (C>G on the coding strand, the complement: KCNE1 is on the minus strand). VCF-style: chr21-34449534-G-C. GRCh37 (hg19) VCF-style: chr21-35821832-G-C.
Other names: c.101C>G, p.Ser34Cys (NM_001127668.4, NM_001127669.4, NM_001127670.4 and 4 more transcripts); short protein forms S34C.
Identifiers: ClinVar variation 3374051 (VCV003374051.2).

Conditions:
Long QT syndrome 5 (LQT5). Identifiers: Orphanet 101016, Orphanet 768, MedGen C1867904, MONDO:0013372, OMIM 613695.

Submission:

Roden Lab, Vanderbilt University Medical Center
No classification provided (evidence only). Condition: Long QT syndrome 5. Review status: no classification provided. Collection method: in vitro. Allele origin: not applicable. Functional consequence: Effect on ion channel function.
ClinVar note: "not provided" was previously submitted as the classification for the variant. However, the classification appeared to be based only on an observation of functional data so it was converted to no classification on 2025-07-30.